The following is an entry in ClinVar:

NM_001017995.3(SH3PXD2B):c.926C>T (p.Ala309Val)

Gene: SH3PXD2B (SH3 and PX domains 2B; minus strand). Cytogenetic location: 5q35.1.
Variant type: single nucleotide variant.
Coding change: c.926C>T on transcript NM_001017995.3 (MANE Select); coding-DNA position 926, C replaced by T.
Protein change: p.Ala309Val; replaces alanine 309 with valine.
Molecular consequence: missense variant.
Genome position (GRCh38, 1-based): chr5:172,350,449, G>A on the plus strand (C>T on the coding strand, the complement: SH3PXD2B is on the minus strand). VCF-style: chr5-172350449-G-A. GRCh37 (hg19) VCF-style: chr5-171777453-G-A.
Other names: c.926C>T, p.Ala309Val (NM_001308175.2); short protein forms A309V.
Identifiers: ClinVar variation 903988 (VCV000903988.11), dbSNP rs755251609, ClinGen allele CA3561380.
Genomic context (GRCh38, chr5:172,350,449, plus strand): 5'-GGGCGGCCTTCAAACCGCCCGTCCCTCTGGCTGCTGAGCAGCTCCTTCTCCCTGCCCACC[G>A]CGTTCTGCTGCCGGGAAACACCATCCAAGTCAAGGGCACCCGGGTGGGAGGGTGAGCCAG-3'
Protein context (NP_001017995.1, residues 299-319): DLDGVSRQQN[Ala309Val]VGREKELLSS

ClinVar aggregate classification (germline): Uncertain significance. Review status: criteria provided, multiple submitters, no conflicts (2 of 4 stars). 2 submissions from 2 submitters: Uncertain significance (2). Last evaluated 2025-12-08.

Conditions:
Frank-Ter Haar syndrome. Also called: TER HAAR SYNDROME; Borrone di Rocco Crovato syndrome; MELNICK-NEEDLES SYNDROME, AUTOSOMAL RECESSIVE; BORRONE DERMATOCARDIOSKELETAL SYNDROME. Identifiers: Orphanet 1266, Orphanet 137834, MedGen C1855305, MONDO:0009579, OMIM 249420.

Allele frequency attached by ClinVar (database versions not stated): gnomAD exomes 0.00002 and 0.00007; ExAC 0.00003; gnomAD 0.00005; TOPMed 0.00006.
gnomAD v4.1: 101 of 1,613,990 alleles (0.0063%); highest among the groups gnomAD compares: African/African-American, 0.012%; no homozygotes.

Submissions (2):

Labcorp Genetics (formerly Invitae), Labcorp
Classification: Uncertain significance. Last evaluated: 2025-12-08. Review status: criteria provided, single submitter. Criteria: Invitae Variant Classification Sherloc (09022015). Collection method: clinical testing. Allele origin: germline.
Comment: This sequence change replaces alanine, which is neutral and non-polar, with valine, which is neutral and non-polar, at codon 309 of the SH3PXD2B protein (p.Ala309Val). This variant is present in population databases (rs755251609, gnomAD 0.01%). This variant has not been reported in the literature in individuals affected with SH3PXD2B-related conditions. ClinVar contains an entry for this variant (Variation ID: 903988). An algorithm developed to predict the effect of missense changes on protein structure and function outputs the following: PolyPhen-2: "Benign". The valine amino acid residue is found in multiple mammalian species, which suggests that this missense change does not adversely affect protein function. In summary, the available evidence is currently insufficient to determine the role of this variant in disease. Therefore, it has been classified as a Variant of Uncertain Significance.

Illumina Laboratory Services, Illumina
Classification: Uncertain significance for Frank-Ter Haar syndrome. Last evaluated: 2018-01-12. Review status: criteria provided, single submitter. Criteria: ICSL Variant Classification Criteria 13 December 2019. Collection method: clinical testing. Allele origin: germline.